The following is an entry in ClinVar:

ClinVar aggregate classification (germline): Uncertain significance. Review status: criteria provided, multiple submitters, no conflicts (2 of 4 stars). 2 submissions from 2 submitters: Uncertain significance (2). Last evaluated 2024-11-15.

Conditions:
Inborn genetic diseases. Identifiers: MedGen C0950123, MeSH D030342.

Allele frequency attached by ClinVar (database versions not stated): gnomAD 0.00001; gnomAD exomes 0.00001; TOPMed 0.00001; ExAC 0.00002.
gnomAD v4.1: 11 of 1,613,146 alleles (0.00068%); highest among the groups gnomAD compares: Non-Finnish European, 0.00085%; no homozygotes.

Submissions (2):

Ambry Genetics
Classification: Uncertain significance for Inborn genetic diseases. Last evaluated: 2024-11-15. Review status: criteria provided, single submitter. Criteria: Ambry Variant Classification Scheme 2023. Collection method: clinical testing. Allele origin: germline.

Labcorp Genetics (formerly Invitae), Labcorp
Classification: Uncertain significance. Last evaluated: 2022-08-31. Review status: criteria provided, single submitter. Criteria: Invitae Variant Classification Sherloc (09022015). Collection method: clinical testing. Allele origin: germline.
Comment: ClinVar contains an entry for this variant (Variation ID: 1018239). This variant has not been reported in the literature in individuals affected with DRAM2-related conditions. This variant is present in population databases (rs773157801, gnomAD 0.002%). This sequence change replaces serine, which is neutral and polar, with cysteine, which is neutral and slightly polar, at codon 107 of the DRAM2 protein (p.Ser107Cys). In summary, the available evidence is currently insufficient to determine the role of this variant in disease. Therefore, it has been classified as a Variant of Uncertain Significance. Algorithms developed to predict the effect of missense changes on protein structure and function output the following: SIFT: "Tolerated"; PolyPhen-2: "Benign"; Align-GVGD: "Class C0". The cysteine amino acid residue is found in multiple mammalian species, which suggests that this missense change does not adversely affect protein function.

NM_001349884.2(DRAM2):c.320C>G (p.Ser107Cys)

Gene: DRAM2 (DNA damage regulated autophagy modulator 2; minus strand). Cytogenetic location: 1p13.3.
Variant type: single nucleotide variant.
Coding change: c.320C>G on transcript NM_001349884.2 (MANE Select); coding-DNA position 320, C replaced by G.
Protein change: p.Ser107Cys; replaces serine 107 with cysteine.
Molecular consequence: missense variant. On other transcripts: 5 prime UTR variant (1), non-coding transcript variant (3), intron variant (7).
Genome position (GRCh38, 1-based): chr1:111,124,761, G>C on the plus strand (C>G on the coding strand, the complement: DRAM2 is on the minus strand). VCF-style: chr1-111124761-G-C. GRCh37 (hg19) VCF-style: chr1-111667383-G-C.
Other names: c.320C>G, p.Ser107Cys (NM_001349881.2, NM_001349882.2, NM_001349885.2 and 1 more transcripts); c.-99C>G (NM_001349891.2); c.-52+1466C>G (NM_001349889.2, NM_001349890.2, NM_001349892.2 and 1 more transcripts); c.41+1466C>G (NM_001349887.2, NM_001349886.2, NM_001349888.2); c.320C>G (NM_178454.4); short protein forms S107C.
Identifiers: ClinVar variation 1018239 (VCV001018239.9), dbSNP rs773157801, ClinGen allele CA1001872.
Genomic context (GRCh38, chr1:111,124,761, plus strand): 5'-TGTACTTAAGGAAAATACCTATGCTGGGCTAAAACACAAACCTGGAAGTTTGCCACAATA[G>C]AAAGTCCTAAACAACTCAGTATTCCAAGTACAAGGCCAGCCTTGTTTAATTTGATGATAA-3'
Protein context (NP_001336813.1, residues 97-117): VLGILSCLGL[Ser107Cys]IVANFQKTTL